The following is an entry in ClinVar:

NM_004409.5(DMPK):c.*224CTG[175]

Genes: DM1-AS (DM1 locus antisense RNA; plus strand), DMPK (DM1 protein kinase; minus strand), LOC107075317 (origin of replication in DMPK trinucleotide repeat region; plus strand), LOC109461477 (dystrophia myotonica protein kinase repeat instability region; plus strand). Cytogenetic location: 19q13.32.
Variant type: Microsatellite.
Coding change: c.*224CTG[175] on transcript NM_004409.5 (MANE Select); 175 copies in a row of the 3-base unit CTG starting at c.*224.
Molecular consequence: 3 prime UTR variant.
Genome position: GRCh38, VCF-style position (the base before the change): chr19:45,770,204. GRCh37 (hg19), VCF-style position (the base before the change): chr19:46,273,462.
Other names: DM1 CTG repeat expansion; c.*217CTG[175] (NM_001424166.1, NM_001081562.3, NM_001288765.2 and 2 more transcripts); c.*369CTG[175] (NM_001424168.1, NM_001288766.2, NM_001424164.1); c.*224CTG[175] (NM_001081560.3, NM_001288764.2, NM_001424165.1 and 1 more transcripts); c.*222_*224TGC[175] (NM_001081563.3).
Identifiers: ClinVar variation 187931 (VCV000187931.2), ClinGen allele CA915951726.

ClinVar aggregate classification (germline): Pathogenic (0 of 4 stars; one submission).

Conditions:
Steinert myotonic dystrophy syndrome (DM1). Also called: STEINERT DISEASE; Myotonic dystrophy type 1; Dystrophia myotonica type 1; Steinert myotonic dystrophy; Steinert's disease. Identifiers: Orphanet 273, MedGen C3250443, MONDO:0008056, OMIM 160900.

Submission:

Institute of Molecular, Cell and Systems Biology, University of Glasgow
Classification: Pathogenic for Steinert myotonic dystrophy syndrome. Review status: no assertion criteria provided. Criteria: research. Collection method: research. Allele origin: germline. Inheritance: Autosomal dominant inheritance. Affected: yes. Observed: 1 heterozygote.
Comment: DMPK CTG repeat expansions greater than approximately 45-50 repeats are assumed to be pathogenic

This record is based on data published in PubMed 25052313, which reports only ClinVar accessions SCV000120188 and SCV000120189. The complete data set includes SCV000207445 - SCV000207579.

Literature cited by the submitters: PubMed 1346923; PubMed 1546326; PubMed 25052313.